The following is an entry in ClinVar:

ClinVar aggregate classification (germline): Uncertain significance (1 of 4 stars; one submission).

Submission:

Labcorp Genetics (formerly Invitae), Labcorp
Classification: Uncertain significance. Last evaluated: 2024-02-17. Review status: criteria provided, single submitter. Criteria: Invitae Variant Classification Sherloc (09022015). Collection method: clinical testing. Allele origin: germline.
Comment: This sequence change replaces arginine, which is basic and polar, with cysteine, which is neutral and slightly polar, at codon 732 of the MCM5 protein (p.Arg732Cys). This variant is not present in population databases (gnomAD no frequency). This variant has not been reported in the literature in individuals affected with MCM5-related conditions. ClinVar contains an entry for this variant (Variation ID: 2070972). An algorithm developed to predict the effect of missense changes on protein structure and function (PolyPhen-2) suggests that this variant is likely to be disruptive. In summary, the available evidence is currently insufficient to determine the role of this variant in disease. Therefore, it has been classified as a Variant of Uncertain Significance.

NM_006739.4(MCM5):c.2194C>T (p.Arg732Cys)

Gene: MCM5 (minichromosome maintenance complex component 5; plus strand). Cytogenetic location: 22q12.3.
Variant type: single nucleotide variant.
Coding change: c.2194C>T on transcript NM_006739.4 (MANE Select); coding-DNA position 2194, C replaced by T.
Protein change: p.Arg732Cys; replaces arginine 732 with cysteine.
Molecular consequence: missense variant.
Genome position (GRCh38, 1-based): chr22:35,424,244, C>T. VCF-style: chr22-35424244-C-T. GRCh37 (hg19) VCF-style: chr22-35820237-C-T.
Other names: short protein forms R732C.
Identifiers: ClinVar variation 2070972 (VCV002070972.4), dbSNP rs865863953, ClinGen allele CA323499740.